The following is an entry in ClinVar:

NM_002439.5(MSH3):c.362C>T (p.Pro121Leu)

Gene: MSH3 (mutS homolog 3; plus strand). Cytogenetic location: 5q14.1.
Variant type: single nucleotide variant.
Coding change: c.362C>T on transcript NM_002439.5 (MANE Select); coding-DNA position 362, C replaced by T.
Protein change: p.Pro121Leu; replaces proline 121 with leucine.
Molecular consequence: missense variant.
Genome position (GRCh38, 1-based): chr5:80,665,146, C>T. VCF-style: chr5-80665146-C-T. GRCh37 (hg19) VCF-style: chr5-79960965-C-T.
Other names: short protein forms P121L.
Identifiers: ClinVar variation 4860329 (VCV004860329.1).

ClinVar aggregate classification (germline): Uncertain significance (1 of 4 stars; one submission).

Conditions:
Hereditary cancer-predisposing syndrome. Also called: Neoplastic Syndromes, Hereditary; Tumor predisposition; Hereditary Cancer Syndrome; Hereditary neoplastic syndrome. Identifiers: Orphanet 140162, MedGen C0027672, MeSH D009386, MONDO:0015356.

Submission:

Ambry Genetics
Classification: Uncertain significance for Hereditary cancer-predisposing syndrome. Last evaluated: 2026-04-13. Review status: criteria provided, single submitter. Criteria: Ambry Variant Classification Scheme 2023. Collection method: clinical testing. Allele origin: germline.
Comment: The p.P121L variant (also known as c.362C>T), located in coding exon 3 of the MSH3 gene, results from a C to T substitution at nucleotide position 362. The proline at codon 121 is replaced by leucine, an amino acid with similar properties. This amino acid position is conserved. In addition, the in silico prediction for this alteration is inconclusive. Based on the available evidence, the clinical significance of this variant remains unclear.